The following is an entry in ClinVar:

ClinVar aggregate classification (germline): Uncertain significance (1 of 4 stars; one submission).

Conditions:
Autosomal recessive limb-girdle muscular dystrophy type 2J (LGMDR10). Also called: Limb-girdle muscular dystrophy, type 2J; MUSCULAR DYSTROPHY, LIMB-GIRDLE, AUTOSOMAL RECESSIVE 10. Identifiers: Orphanet 140922, MedGen C1837342, MONDO:0012127, OMIM 608807.
Dilated cardiomyopathy 1G (CMD1G). Identifiers: Orphanet 154, MedGen C1858763, MONDO:0011400, OMIM 604145.

Submission:

Labcorp Genetics (formerly Invitae), Labcorp
Classification: Uncertain significance for Dilated cardiomyopathy 1G; Autosomal recessive limb-girdle muscular dystrophy type 2J. Last evaluated: 2018-02-20. Review status: criteria provided, single submitter. Criteria: Invitae Variant Classification Sherloc (09022015). Collection method: clinical testing. Allele origin: germline.
Comment: This variant identified in the TTN gene is located in the A band of the resulting protein (PMID: 25589632). It is unclear how this variant impacts the function of this protein. Algorithms developed to predict the effect of missense changes on protein structure and function are unavailable for the TTN gene. This sequence change replaces glycine with arginine at codon 21084 of the TTN protein (p.Gly21084Arg). There is a moderate physicochemical difference between glycine and arginine. This variant is not present in population databases (ExAC no frequency). This variant has not been reported in the literature in individuals with TTN-related disease. Algorithms developed to predict the effect of sequence changes on RNA splicing suggest that this variant may create or strengthen a splice site, but this prediction has not been confirmed by published transcriptional studies. In summary, the available evidence is currently insufficient to determine the role of this variant in disease. Therefore, it has been classified as a Variant of Uncertain Significance.

Literature cited by the submitters: PubMed 25589632.

NM_001267550.2(TTN):c.63250G>A (p.Gly21084Arg)

Genes: TTN-AS1 (TTN antisense RNA 1; plus strand), TTN (titin; minus strand). Cytogenetic location: 2q31.2.
Variant type: single nucleotide variant.
Coding change: c.63250G>A on transcript NM_001267550.2 (MANE Select); coding-DNA position 63250, G replaced by A.
Protein change: p.Gly21084Arg; replaces glycine 21084 with arginine.
Molecular consequence: missense variant.
Genome position (GRCh38, 1-based): chr2:178,588,157, C>T on the plus strand (G>A on the coding strand, the complement: TTN is on the minus strand). VCF-style: chr2-178588157-C-T. GRCh37 (hg19) VCF-style: chr2-179452884-C-T.
Other names: c.58327G>A, p.Gly19443Arg (NM_001256850.1); c.36055G>A, p.Gly12019Arg (NM_003319.4); c.55546G>A, p.Gly18516Arg (NM_133378.4); c.36430G>A, p.Gly12144Arg (NM_133432.3); c.36631G>A, p.Gly12211Arg (NM_133437.4); short protein forms G21084R, G12211R, G19443R, G12144R, G18516R, G12019R.
Identifiers: ClinVar variation 575934 (VCV000575934.7), dbSNP rs1559557623, ClinGen allele CA349454847.
Genomic context (GRCh38, chr2:178,588,157, plus strand): 5'-TCATTTCCACAACATATCCAATGATCGGTGCACCACCATCATAGACTGGTTTTCCCCACC[C>T]AAGAGTTATGGAATGTTTGGTTGTATCAACCACTCTGAAATTGGTTGGTGGACCAGGTGG-3'
Protein context (NP_001254479.2, residues 21074-21094): VDTTKHSITL[Gly21084Arg]WGKPVYDGGA